The following is an entry in ClinVar:

ClinVar aggregate classification (germline): Uncertain significance (1 of 4 stars; one submission).

Submission:

GeneDx
Classification: Uncertain significance. Last evaluated: 2025-02-25. Review status: criteria provided, single submitter. Criteria: GeneDx Variant Classification Process June 2021. Collection method: clinical testing. Allele origin: germline. Affected: yes.
Comment: Not observed at significant frequency in large population cohorts (gnomAD); In silico analysis supports that this missense variant has a deleterious effect on protein structure/function; Has not been previously published as pathogenic or benign to our knowledge

NM_002911.4(UPF1):c.2827C>T (p.Pro943Ser)

Gene: UPF1 (UPF1 RNA helicase and ATPase; plus strand). Cytogenetic location: 19p13.11.
Variant type: single nucleotide variant.
Coding change: c.2827C>T on transcript NM_002911.4 (MANE Select); coding-DNA position 2827, C replaced by T.
Protein change: p.Pro943Ser; replaces proline 943 with serine.
Molecular consequence: missense variant.
Genome position (GRCh38, 1-based): chr19:18,864,221, C>T. VCF-style: chr19-18864221-C-T. GRCh37 (hg19) VCF-style: chr19-18975030-C-T.
Other names: c.2860C>T, p.Pro954Ser (NM_001297549.2); short protein forms P943S, P954S.
Identifiers: ClinVar variation 4076903 (VCV004076903.1).